The following is an entry in ClinVar:

ClinVar aggregate classification (germline): Uncertain significance (1 of 4 stars; one submission).

Conditions:
Familial thoracic aortic aneurysm and aortic dissection (TAAD). Also called: Thoracic aortic aneurysms and dissections. Identifiers: Orphanet 91387, MedGen C4707243, MONDO:0019625.

Allele frequency attached by ClinVar (database versions not stated): gnomAD exomes below 0.00001; TOPMed below 0.00001.
gnomAD v4.1: 1 of 1,610,488 alleles (0.000062%); highest among the groups gnomAD compares: African/African-American, 0.0013%; no homozygotes.

Submission:

Labcorp Genetics (formerly Invitae), Labcorp
Classification: Uncertain significance for Familial thoracic aortic aneurysm and aortic dissection. Last evaluated: 2020-05-13. Review status: criteria provided, single submitter. Criteria: Invitae Variant Classification Sherloc (09022015). Collection method: clinical testing. Allele origin: germline.
Comment: In summary, the available evidence is currently insufficient to determine the role of this variant in disease. Therefore, it has been classified as a Variant of Uncertain Significance. Nucleotide substitutions within the consensus splice site are a relatively common cause of aberrant splicing (PMID: 17576681, 9536098). Algorithms developed to predict the effect of sequence changes on RNA splicing suggest that this variant may disrupt the consensus splice site, but this prediction has not been confirmed by published transcriptional studies. This variant has not been reported in the literature in individuals with SMAD3-related conditions. This variant is not present in population databases (ExAC no frequency). This sequence change falls in intron 1 of the SMAD3 gene. It does not directly change the encoded amino acid sequence of the SMAD3 protein, but it affects a nucleotide within the consensus splice site of the intron.

Literature cited by the submitters: PubMed 17576681; PubMed 9536098.

NM_005902.4(SMAD3):c.206+5G>A

Gene: SMAD3 (SMAD family member 3; plus strand). Cytogenetic location: 15q22.33.
Variant type: single nucleotide variant.
Coding change: c.206+5G>A on transcript NM_005902.4 (MANE Select); 5 bases into the intron after coding-DNA position 206, G replaced by A.
Molecular consequence: intron variant.
Genome position (GRCh38, 1-based): chr15:67,066,365, G>A. VCF-style: chr15-67066365-G-A. GRCh37 (hg19) VCF-style: chr15-67358703-G-A.
Identifiers: ClinVar variation 1062796 (VCV001062796.7), dbSNP rs1959917032, ClinGen allele CA2184369401.